The following is an entry in ClinVar:

NM_006445.4(PRPF8):c.6250C>G (p.His2084Asp)

Gene: PRPF8 (pre-mRNA processing factor 8; minus strand). Cytogenetic location: 17p13.3.
Variant type: single nucleotide variant.
Coding change: c.6250C>G on transcript NM_006445.4 (MANE Select); coding-DNA position 6250, C replaced by G.
Protein change: p.His2084Asp; replaces histidine 2084 with aspartic acid.
Molecular consequence: missense variant.
Genome position (GRCh38, 1-based): chr17:1,653,661, G>C on the plus strand (C>G on the coding strand, the complement: PRPF8 is on the minus strand). VCF-style: chr17-1653661-G-C. GRCh37 (hg19) VCF-style: chr17-1556955-G-C.
Other names: short protein forms H2084D.
Identifiers: ClinVar variation 1020975 (VCV001020975.5), dbSNP rs1911199156, ClinGen allele CA397566762.

ClinVar aggregate classification (germline): Uncertain significance (1 of 4 stars; one submission).

Submission:

Labcorp Genetics (formerly Invitae), Labcorp
Classification: Uncertain significance. Last evaluated: 2022-09-27. Review status: criteria provided, single submitter. Criteria: Invitae Variant Classification Sherloc (09022015). Collection method: clinical testing. Allele origin: germline.
Comment: ClinVar contains an entry for this variant (Variation ID: 1020975). This variant is not present in population databases (gnomAD no frequency). This sequence change replaces histidine, which is basic and polar, with aspartic acid, which is acidic and polar, at codon 2084 of the PRPF8 protein (p.His2084Asp). This variant has not been reported in the literature in individuals affected with PRPF8-related conditions. Advanced modeling of protein sequence and biophysical properties (such as structural, functional, and spatial information, amino acid conservation, physicochemical variation, residue mobility, and thermodynamic stability) performed at Invitae indicates that this missense variant is not expected to disrupt PRPF8 protein function. In summary, the available evidence is currently insufficient to determine the role of this variant in disease. Therefore, it has been classified as a Variant of Uncertain Significance.